The following is an entry in ClinVar:

NM_000554.6(CRX):c.*1684G>A

Gene: CRX (cone-rod homeobox; plus strand). Cytogenetic location: 19q13.33.
Variant type: single nucleotide variant.
Coding change: c.*1684G>A on transcript NM_000554.6 (MANE Select); 1684 bases downstream of the stop codon, G replaced by A.
Molecular consequence: 3 prime UTR variant.
Genome position (GRCh38, 1-based): chr19:47,841,651, G>A. VCF-style: chr19-47841651-G-A. GRCh37 (hg19) VCF-style: chr19-48344908-G-A.
Identifiers: ClinVar variation 893631 (VCV000893631.4), dbSNP rs141564522, ClinGen allele CA309214652.

ClinVar aggregate classification (germline): Conflicting classifications of pathogenicity. Review status: criteria provided, conflicting classifications (1 of 4 stars). 3 submissions from 1 submitter: Uncertain significance (1); Benign (1); Likely benign (1). Last evaluated 2018-01-13.

Conditions:
Leber congenital amaurosis 7 (LCA7). Identifiers: Orphanet 65, MedGen C3151192, MONDO:0013449, OMIM 613829.
Cone-rod dystrophy 2 (CORD2). Also called: CONE-ROD RETINAL DYSTROPHY; Cone-rod retinal dystrophy 2. Identifiers: Orphanet 1872, MedGen C3489532, MONDO:0007362, OMIM 120970.
Retinitis pigmentosa (RP). Identifiers: Orphanet 791, MedGen C0035334, MeSH D012174, MONDO:0019200, OMIM 268000. Inheritance: Autosomal dominant, autosomal recessive and X linked inheritance.

Allele frequency attached by ClinVar (database versions not stated): 1000 Genomes Project 30x 0.00047; gnomAD 0.00056 and 0.00058; TOPMed 0.00057; 1000 Genomes Project 0.00060.

Submissions (3):

Illumina Laboratory Services, Illumina
Classification: Likely benign for Retinitis pigmentosa. Last evaluated: 2018-01-13. Review status: criteria provided, single submitter. Criteria: ICSL Variant Classification Criteria 13 December 2019. Collection method: clinical testing. Allele origin: germline.
Comment: This variant was observed in the ICSL laboratory as part of a predisposition screen in an ostensibly healthy population. It had not been previously curated by ICSL or reported in the Human Gene Mutation Database (HGMD: prior to June 1st, 2018), and was therefore a candidate for classification through an automated scoring system. Utilizing variant allele frequency, disease prevalence and penetrance estimates, and inheritance mode, an automated score was calculated to assess if this variant is too frequent to cause the disease. Based on the score and internal cut-off values, a variant classified as likely benign is not then subjected to further curation. The score for this variant resulted in a classification of likely benign for this disease.

Illumina Laboratory Services, Illumina
Classification: Uncertain significance for Leber congenital amaurosis 7. Last evaluated: 2018-01-13. Review status: criteria provided, single submitter. Criteria: ICSL Variant Classification Criteria 13 December 2019. Collection method: clinical testing. Allele origin: germline.

Illumina Laboratory Services, Illumina
Classification: Benign for Cone-rod dystrophy 2. Last evaluated: 2018-01-13. Review status: criteria provided, single submitter. Criteria: ICSL Variant Classification Criteria 13 December 2019. Collection method: clinical testing. Allele origin: germline.
Comment: This variant was observed in the ICSL laboratory as part of a predisposition screen in an ostensibly healthy population. It had not been previously curated by ICSL or reported in the Human Gene Mutation Database (HGMD: prior to June 1st, 2018), and was therefore a candidate for classification through an automated scoring system. Utilizing variant allele frequency, disease prevalence and penetrance estimates, and inheritance mode, an automated score was calculated to assess if this variant is too frequent to cause the disease. Based on the score and internal cut-off values, a variant classified as benign is not then subjected to further curation. The score for this variant resulted in a classification of benign for this disease.